The following is an entry in ClinVar:

NM_004006.3(DMD):c.9295AAT[1] (p.Asn3100del)

Gene: DMD (dystrophin; minus strand). Cytogenetic location: Xp21.2.
Variant type: Microsatellite.
Coding change: c.9295AAT[1] on transcript NM_004006.3 (MANE Select); one copy of the 3-base unit AAT starting at c.9295; the reference has two copies in a row; one copy, 3 bases deleted.
Protein change: p.Asn3100del; deletes asparagine 3100.
Molecular consequence: inframe deletion.
Genome position (GRCh38, 1-based): chrX:31,223,108-31,223,110, ATT deleted on the plus strand (AAT on the coding strand, the reverse complement: DMD is on the minus strand); deleting any 3 consecutive bases within chrX:31,223,108-31,223,113 gives the same sequence; the position shown is the placement nearest the transcript's 3' end. VCF-style (leftmost placement, unchanged base first): chrX-31223107-CATT-C. GRCh37 (hg19) VCF-style: chrX-31241224-CATT-C.
Other names: c.9271AAT[1], p.Asn3092del (NM_000109.4); c.9283AAT[1], p.Asn3096del (NM_004009.3); c.8926AAT[1], p.Asn2977del (NM_004010.3); c.5272AAT[1], p.Asn1759del (NM_004011.4); c.5263AAT[1], p.Asn1756del (NM_004012.4); c.1915AAT[1], p.Asn640del (NM_004013.3, NM_004020.4, NM_004021.3 and 2 more transcripts); c.1108AAT[1], p.Asn371del (NM_004014.3); c.91AAT[1], p.Asn32del (NM_004015.3, NM_004016.3, NM_004017.3 and 2 more transcripts); short protein forms N3092del, N640del, N2977del, N3096del, N3100del, N1756del, N32del, N371del.
Identifiers: ClinVar variation 2092627 (VCV002092627.4), dbSNP rs2522094228, ClinGen allele CA2580616921.
Genomic context (GRCh38, chrX:31,223,107, plus strand): 5'-AGCAAAGGGCCTTCTGCAGTCTTCGGAGTTTCATGGCAGTCCTATAAGCTGAGAATCTGA[CATT>C]ATTCAGGTCAGCTGAAAAGAGGGAAAACAAAGAGCATTTGTTATTCCATCAGAAATAACA-3'

ClinVar aggregate classification (germline): Uncertain significance (1 of 4 stars; one submission).

Conditions:
Duchenne muscular dystrophy (DMD). Also called: MUSCULAR DYSTROPHY, PSEUDOHYPERTROPHIC PROGRESSIVE, DUCHENNE TYPE; Duchenne Muscular Dystrophy (DMD). Identifiers: Orphanet 98896, MedGen C0013264, MONDO:0010679, OMIM 310200.

Submission:

Labcorp Genetics (formerly Invitae), Labcorp
Classification: Uncertain significance for Duchenne muscular dystrophy. Last evaluated: 2023-03-24. Review status: criteria provided, single submitter. Criteria: Invitae Variant Classification Sherloc (09022015). Collection method: clinical testing. Allele origin: germline.
Comment: This variant, c.9298_9300del, results in the deletion of 1 amino acid(s) of the DMD protein (p.Asn3100del), but otherwise preserves the integrity of the reading frame. This variant is not present in population databases (gnomAD no frequency). This variant has not been reported in the literature in individuals affected with DMD-related conditions. Experimental studies and prediction algorithms are not available or were not evaluated, and the functional significance of this variant is currently unknown. In summary, the available evidence is currently insufficient to determine the role of this variant in disease. Therefore, it has been classified as a Variant of Uncertain Significance.